The following is an entry in ClinVar:

ClinVar aggregate classification (germline): Conflicting classifications of pathogenicity. Review status: criteria provided, conflicting classifications (1 of 4 stars). 4 submissions from 4 submitters: Uncertain significance (1); Likely benign (2). 1 of the submissions does not count toward it. Last evaluated 2025-02-26.

Conditions:
TBCD-related disorder. Also called: TBCD-related condition.

Allele frequency attached by ClinVar (database versions not stated): ExAC 0.00004; ESP Exome Variant Server 0.00008; gnomAD exomes 0.00008 and 0.00013; gnomAD 0.00011; TOPMed 0.00011.
gnomAD v4.1: 212 of 1,613,602 alleles (0.013%); highest among the groups gnomAD compares: Admixed American, 0.023%; no homozygotes.

Submissions (4):

Labcorp Genetics (formerly Invitae), Labcorp
Classification: Likely benign. Last evaluated: 2025-02-26. Review status: criteria provided, single submitter. Criteria: Invitae Variant Classification Sherloc (09022015). Collection method: clinical testing. Allele origin: germline.

Blueprint Genetics
Classification: Likely benign. Last evaluated: 2024-05-22. Review status: criteria provided, single submitter. Criteria: ACMG Guidelines, 2015. Collection method: clinical testing. Allele origin: germline.

Mayo Clinic Laboratories, Mayo Clinic
Classification: Uncertain significance. Last evaluated: 2023-02-22. Review status: criteria provided, single submitter. Criteria: ACMG Guidelines, 2015. Collection method: clinical testing. Allele origin: germline. Observed: 1 variant allele.

PreventionGenetics, part of Exact Sciences
Classification: Likely benign for TBCD-related condition. Last evaluated: 2019-03-22. Review status: no assertion criteria provided. Collection method: clinical testing. Allele origin: germline. Not counted in ClinVar's aggregate classification.
Comment: This variant is classified as likely benign based on ACMG/AMP sequence variant interpretation guidelines (Richards et al. 2015 PMID: 25741868, with internal and published modifications).

NM_005993.5(TBCD):c.1254G>A (p.Gly418=)

Gene: TBCD (tubulin folding cofactor D). Cytogenetic location: 17q25.3.
Variant type: single nucleotide variant.
Coding change: c.1254G>A on transcript NM_005993.5 (MANE Select); coding-DNA position 1254, G replaced by A.
Protein change: p.Gly418=; no amino-acid change (glycine 418 retained).
Molecular consequence: synonymous variant.
Genome position (GRCh38, 1-based): chr17:82,814,870, G>A. VCF-style: chr17-82814870-G-A. GRCh37 (hg19) VCF-style: chr17-80772746-G-A.
Other names: p.Gly418=; c.1254G>A (NM_005993.4).
Identifiers: ClinVar variation 1574790 (VCV001574790.12), dbSNP rs367985432, ClinGen allele CA8861970.
Genomic context (GRCh38, chr17:82,814,870, plus strand): 5'-CTGTGGTCTCAGGATCTTTGTTGCTCTCAGTTTCCAGGAGACTGACAAGGCGTGGCATGG[G>A]GGATGTCTGGCGCTGGCAGAGCTGGGCAGGAGAGGCCTGTTGCTGCCGTCTCGACTCGTG-3'
Protein context (NP_005984.3, residues 408-428): SFQETDKAWH[Gly418=]GCLALAELGR